The following is an entry in ClinVar:

NM_024301.5(FKRP):c.649C>A (p.Pro217Thr)

Gene: FKRP (fukutin related protein; plus strand). Cytogenetic location: 19q13.32.
Variant type: single nucleotide variant.
Coding change: c.649C>A on transcript NM_024301.5 (MANE Select); coding-DNA position 649, C replaced by A.
Protein change: p.Pro217Thr; replaces proline 217 with threonine.
Molecular consequence: missense variant.
Genome position (GRCh38, 1-based): chr19:46,756,099, C>A. VCF-style: chr19-46756099-C-A. GRCh37 (hg19) VCF-style: chr19-47259356-C-A.
Other names: c.649C>A, p.Pro217Thr (NM_001039885.3); short protein forms P217T.
Identifiers: ClinVar variation 1301775 (VCV001301775.10), dbSNP rs2122620422, ClinGen allele CA406495733.

ClinVar aggregate classification (germline): Uncertain significance. Review status: criteria provided, multiple submitters, no conflicts (2 of 4 stars). 2 submissions from 2 submitters: Uncertain significance (2). Last evaluated 2023-05-23.

Conditions:
Walker-Warburg congenital muscular dystrophy. Also called: Muscular dystrophy-dystroglycanopathy, type A; Walker-Warburg syndrome. Identifiers: Orphanet 899, MedGen C0265221, MONDO:0000171.
Muscular dystrophy-dystroglycanopathy type B5 (MDDGB5). Also called: MUSCULAR DYSTROPHY-DYSTROGLYCANOPATHY (CONGENITAL WITH OR WITHOUT IMPAIRED INTELLECTUAL DEVELOPMENT), TYPE B, 5; MUSCULAR DYSTROPHY, CONGENITAL, 1C; MUSCULAR DYSTROPHY, CONGENITAL, FKRP-RELATED. Identifiers: MedGen C1847759, MONDO:0011688, OMIM 606612.

Submissions (2):

Labcorp Genetics (formerly Invitae), Labcorp
Classification: Uncertain significance for Walker-Warburg congenital muscular dystrophy. Last evaluated: 2023-05-23. Review status: criteria provided, single submitter. Criteria: Invitae Variant Classification Sherloc (09022015). Collection method: clinical testing. Allele origin: germline.
Comment: This sequence change replaces proline, which is neutral and non-polar, with threonine, which is neutral and polar, at codon 217 of the FKRP protein (p.Pro217Thr). This variant is not present in population databases (gnomAD no frequency). This missense change has been observed in individual(s) with FKRP-related conditions (PMID: 11592034). ClinVar contains an entry for this variant (Variation ID: 1301775). Advanced modeling of protein sequence and biophysical properties (such as structural, functional, and spatial information, amino acid conservation, physicochemical variation, residue mobility, and thermodynamic stability) performed at Invitae indicates that this missense variant is expected to disrupt FKRP protein function. In summary, the available evidence is currently insufficient to determine the role of this variant in disease. Therefore, it has been classified as a Variant of Uncertain Significance.

Dubai Health Genomic Medicine Center, Dubai Health
Classification: Uncertain significance for Muscular dystrophy-dystroglycanopathy type B5. Last evaluated: 2021-02-28. Review status: criteria provided, single submitter. Criteria: ACMG Guidelines, 2015. Collection method: clinical testing. Allele origin: germline. Affected: yes.
Comment: This patient was reported to have reduced laminin alpha2 expression (PMID: 11592034). The p.Pro217Thr variant was absent from large population studies such as the Genome Aggregation Database (gnomAD) and the Greater Middle East (GME) variome database. Computational prediction tools and conservation analyses suggest this variant may impact protein function though this information is not predictive enough to confirm pathogenicity. In summary additional information is needed to fully assess the clinical significance of this variant though based on the information above we lean more towards a likely pathogenic role.

Literature cited by the submitters: PubMed 11592034 (cited by Labcorp Genetics (formerly Invitae), Labcorp).